The following is an entry in ClinVar:

NM_001165963.4(SCN1A):c.4002+2121A>G

Genes: SCN1A (sodium voltage-gated channel alpha subunit 1; minus strand), LOC102724058 (uncharacterized LOC102724058; plus strand). Cytogenetic location: 2q24.3.
Variant type: single nucleotide variant.
Coding change: c.4002+2121A>G on transcript NM_001165963.4 (MANE Select); 2121 bases into the intron after coding-DNA position 4002, A replaced by G.
Molecular consequence: intron variant.
Genome position (GRCh38, 1-based): chr2:166,007,598, T>C on the plus strand (A>G on the coding strand, the complement: SCN1A is on the minus strand). VCF-style: chr2-166007598-T-C. GRCh37 (hg19) VCF-style: chr2-166864108-T-C.
Other names: c.3969+2121A>G (NM_001353949.2, NM_001353950.2, NM_001353951.2 and 2 more transcripts); c.3918+2121A>G (NM_001353958.2, NM_001353957.2, NM_001165964.3); c.4002+2121A>G (NM_001202435.3, NM_001353948.2); c.3966+2121A>G (NM_001353955.2, NM_001353954.2); c.3915+2121A>G (NM_001353960.2); c.1560+2121A>G (NM_001353961.2).
Identifiers: ClinVar variation 1628904 (VCV001628904.9), dbSNP rs1036524256, ClinGen allele CA59771672.
Genomic context (GRCh38, chr2:166,007,598, plus strand): 5'-TGAAAAATTTGGACTGGAAATTTGAAATACAATAAATGTTTAAAAGCTGTCAGCCAGAAA[T>C]GTGCATAAAACATGCAAAACACAAAGTGCAACGTGATGATAATTTATTTGTTACTTTCTA-3'

ClinVar aggregate classification (germline): Uncertain significance (1 of 4 stars; one submission).

Conditions:
Early-infantile DEE. Also called: Ohtahara syndrome; Early infantile epileptic encephalopathy; Early infantile epileptic encephalopathy with suppression bursts. Identifiers: Orphanet 1934, MedGen C0393706, MONDO:0800491.

Allele frequency attached by ClinVar (database versions not stated): TOPMed 0.00006; gnomAD 0.00008 and 0.00009.
gnomAD v4.1: 13 of 151,384 alleles (0.0086%); highest among the groups gnomAD compares: Non-Finnish European, 0.015%; no homozygotes.

Submission:

Labcorp Genetics (formerly Invitae), Labcorp
Classification: Uncertain significance for Early-infantile DEE. Last evaluated: 2025-05-26. Review status: criteria provided, single submitter. Criteria: Invitae Variant Classification Sherloc (09022015). Collection method: clinical testing. Allele origin: germline.
Comment: This sequence change falls in intron 20 of the SCN1A gene. It does not directly change the encoded amino acid sequence of the SCN1A protein. However, this sequence change falls within a region encompassing a cryptic exon in the SCN1A gene, in which variants have been shown to alter splicing (PMID: 30526861, 34107977). This variant is present in population databases (no rsID available, gnomAD 0.01%). This variant has been observed in individual(s) with clinical features of developmental and epileptic encephalopathy (internal data). ClinVar contains an entry for this variant (Variation ID: 1628904). Algorithms developed to predict the effect of sequence changes on RNA splicing suggest that this variant is not likely to affect RNA splicing. In summary, the available evidence is currently insufficient to determine the role of this variant in disease. Therefore, it has been classified as a Variant of Uncertain Significance.

Literature cited by the submitters: PubMed 30526861; PubMed 34107977.